The following is an entry in ClinVar:

ClinVar aggregate classification (germline): Uncertain significance (1 of 4 stars; one submission).

Conditions:
Sphingolipid activator protein 1 deficiency. Also called: Metachromatic leukodystrophy due to saposin B deficiency; METACHROMATIC LEUKODYSTROPHY DUE TO CEREBROSIDE SULFATASE ACTIVATOR DEFICIENCY; Saposin B Deficiency. Identifiers: Orphanet 512, MedGen C0268262, MONDO:0009590, OMIM 249900.

Allele frequency attached by ClinVar (database versions not stated): gnomAD exomes below 0.00001 and 0.00002; ExAC 0.00001; TOPMed 0.00001; gnomAD 0.00002.
gnomAD v4.1: 25 of 1,614,116 alleles (0.0015%); highest among the groups gnomAD compares: East Asian, 0.0022%; no homozygotes.

Submission:

Labcorp Genetics (formerly Invitae), Labcorp
Classification: Uncertain significance for Sphingolipid activator protein 1 deficiency. Last evaluated: 2022-02-21. Review status: criteria provided, single submitter. Criteria: Invitae Variant Classification Sherloc (09022015). Collection method: clinical testing. Allele origin: germline.
Comment: This sequence change replaces tyrosine, which is neutral and polar, with histidine, which is basic and polar, at codon 418 of the PSAP protein (p.Tyr418His). This variant is present in population databases (rs764156331, gnomAD 0.0009%). This variant has not been reported in the literature in individuals affected with PSAP-related conditions. Algorithms developed to predict the effect of missense changes on protein structure and function are either unavailable or do not agree on the potential impact of this missense change (SIFT: "Not Available"; PolyPhen-2: "Probably Damaging"; Align-GVGD: "Not Available"). In summary, the available evidence is currently insufficient to determine the role of this variant in disease. Therefore, it has been classified as a Variant of Uncertain Significance.

NM_002778.4(PSAP):c.1252T>C (p.Tyr418His)

Gene: PSAP (prosaposin; minus strand). Cytogenetic location: 10q22.1.
Variant type: single nucleotide variant.
Coding change: c.1252T>C on transcript NM_002778.4 (MANE Select); coding-DNA position 1252, T replaced by C.
Protein change: p.Tyr418His; replaces tyrosine 418 with histidine.
Molecular consequence: missense variant.
Genome position (GRCh38, 1-based): chr10:71,819,563, A>G on the plus strand (T>C on the coding strand, the complement: PSAP is on the minus strand). VCF-style: chr10-71819563-A-G. GRCh37 (hg19) VCF-style: chr10-73579320-A-G.
Other names: c.1261T>C, p.Tyr421His (NM_001042465.3); c.1258T>C, p.Tyr420His (NM_001042466.3); short protein forms Y420H, Y421H, Y418H.
Identifiers: ClinVar variation 1406647 (VCV001406647.5), dbSNP rs764156331, ClinGen allele CA5547421.